The following is an entry in ClinVar:

ClinVar aggregate classification (germline): Likely pathogenic (1 of 4 stars; one submission).

Conditions:
Autosomal dominant epilepsy.

Submission:

Women's Health and Genetics/Laboratory Corporation of America, LabCorp
Classification: Likely pathogenic. Last evaluated: 2022-06-20. Review status: criteria provided, single submitter. Criteria: LabCorp Variant Classification Summary - May 2015. Collection method: clinical testing. Allele origin: germline.
Comment: Variant summary: SCN1A c.1259delC (p.Ala420ValfsX28) results in a premature termination codon, predicted to cause a truncation of the encoded protein or absence of the protein due to nonsense mediated decay, which are commonly known mechanisms for disease. Truncations downstream of this position have been classified as pathogenic by our laboratory. The variant was absent in 251224 control chromosomes. To our knowledge, no occurrence of c.1259delC in individuals affected with SCN1A-Related Seizure Disorder and no experimental evidence demonstrating its impact on protein function have been reported. No clinical diagnostic laboratories have submitted clinical-significance assessments for this variant to ClinVar after 2014. Based on the evidence outlined above, the variant was classified as likely pathogenic.

NM_001165963.4(SCN1A):c.1259del (p.Ala420fs)

Gene: SCN1A (sodium voltage-gated channel alpha subunit 1; minus strand). Cytogenetic location: 2q24.3.
Variant type: Deletion.
Coding change: c.1259del on transcript NM_001165963.4 (MANE Select); coding-DNA position 1259, one base deleted (C; older notation c.1259delC).
Protein change: p.Ala420fs; shifts the reading frame from alanine 420.
Molecular consequence: frameshift variant. On other transcripts: 5 prime UTR variant (1), non-coding transcript variant (1).
Genome position (GRCh38, 1-based): chr2:166,046,888, G deleted on the plus strand (C on the coding strand, the reverse complement: SCN1A is on the minus strand). VCF-style (leftmost placement, unchanged base first): chr2-166046887-AG-A. GRCh37 (hg19) VCF-style: chr2-166903397-AG-A.
Other names: c.1259del, p.Ala420fs (NM_001165964.3, NM_001202435.3, NM_001353948.2 and 10 more transcripts); c.-1167del (NM_001353961.2); short protein forms A420fs.
Identifiers: ClinVar variation 1698589 (VCV001698589.1), dbSNP rs2105862149, ClinGen allele CA2580064373.